The following is an entry in ClinVar:

ClinVar aggregate classification (germline): Uncertain significance. Review status: criteria provided, single submitter (1 of 4 stars). 2 submissions from 2 submitters: Uncertain significance (1). 1 of the submissions does not count toward it. Last evaluated 2024-05-31.

Conditions:
BBS12-related disorder. Also called: BBS12-related condition.
Bardet-Biedl syndrome 12 (BBS12). Identifiers: Orphanet 110, MedGen C1859570, MONDO:0014440, OMIM 615989.

gnomAD v4.1: 52 of 1,614,044 alleles (0.0032%); highest among the groups gnomAD compares: Non-Finnish European, 0.0044%; no homozygotes.

Submissions (2):

Fulgent Genetics
Classification: Uncertain significance for Bardet-Biedl syndrome 12. Last evaluated: 2024-05-31. Review status: criteria provided, single submitter. Criteria: ACMG Guidelines, 2015. Collection method: clinical testing. Allele origin: germline.

PreventionGenetics, part of Exact Sciences
Classification: Uncertain significance for BBS12-related condition. Last evaluated: 2023-12-31. Review status: no assertion criteria provided. Collection method: clinical testing. Allele origin: germline. Not counted in ClinVar's aggregate classification.
Comment: The BBS12 c.1688A>G variant is predicted to result in the amino acid substitution p.His563Arg. To our knowledge, this variant has not been reported in the literature. This variant is reported in 0.0023% of alleles in individuals of European (Non-Finnish) descent in gnomAD. At this time, the clinical significance of this variant is uncertain due to the absence of conclusive functional and genetic evidence.

NM_152618.3(BBS12):c.1688A>G (p.His563Arg)

Gene: BBS12 (Bardet-Biedl syndrome 12; plus strand). Cytogenetic location: 4q27.
Variant type: single nucleotide variant.
Coding change: c.1688A>G on transcript NM_152618.3 (MANE Select); coding-DNA position 1688, A replaced by G.
Protein change: p.His563Arg; replaces histidine 563 with arginine.
Molecular consequence: missense variant.
Genome position (GRCh38, 1-based): chr4:122,743,580, A>G. VCF-style: chr4-122743580-A-G. GRCh37 (hg19) VCF-style: chr4-123664735-A-G.
Other names: c.1688A>G, p.His563Arg (NM_001178007.2); short protein forms H563R.
Identifiers: ClinVar variation 3036063 (VCV003036063.3), dbSNP rs745958967, ClinGen allele CA105249224.